The following is an entry in ClinVar:

ClinVar aggregate classification (germline): Pathogenic (1 of 4 stars; one submission).

Conditions:
Hermansky-Pudlak syndrome 3 (HPS3). Identifiers: Orphanet 231512, Orphanet 79430, MedGen C3888001, MONDO:0013555, OMIM 614072.

Submission:

Myriad Genetics, Inc.
Classification: Pathogenic for Hermansky-Pudlak syndrome 3. Last evaluated: 2024-05-14. Review status: criteria provided, single submitter. Criteria: Myriad Autosomal Dominant, Autosomal Recessive and X-Linked Classification Criteria (2023). Collection method: clinical testing. Allele origin: unknown.
Comment: NM_032383.3(HPS3):c.726del1ins11(E242Dfs*9) is expected to be pathogenic in the context of Hermansky-Pudlak syndrome, HPS3-related. This variant is predicted to lead to an abnormal or absent protein product due to the creation of a premature termination codon in HPS3, a gene where loss-of-function variants are known to be pathogenic. Please note: this variant was assessed in the context of healthy population screening.

NM_032383.5(HPS3):c.726delinsTGCCTTAAATC (p.Glu242fs)

Gene: HPS3 (HPS3 biogenesis of lysosomal organelles complex 2 subunit 1; plus strand). Cytogenetic location: 3q24.
Variant type: Indel.
Coding change: c.726delinsTGCCTTAAATC on transcript NM_032383.5 (MANE Select); coding-DNA position 726, A replaced by TGCCTTAAATC.
Protein change: p.Glu242fs; shifts the reading frame from glutamic acid 242.
Molecular consequence: frameshift variant.
Genome position (GRCh38, 1-based): chr3:149,141,030, A replaced by TGCCTTAAATC. VCF-style: chr3-149141030-A-TGCCTTAAATC. GRCh37 (hg19) VCF-style: chr3-148858817-A-TGCCTTAAATC.
Other names: c.231delinsTGCCTTAAATC, p.Glu77fs (NM_001308258.2); short protein forms E242fs, E77fs.
Identifiers: ClinVar variation 5016401 (VCV005016401.1).
Genomic context (GRCh38, chr3:149,141,030, plus strand): 5'-AATCTAATTTTCATTCAAGCAGGACTGTTACATTTTATTTTTTTAAGGCATCAGTAATGA[A>TGCCTTAAATC]ATTTCACAGCTTGAGTCAGATGATTTTGTCATCTGCCAGAAGCCCCTGGAACTTCTTGGT-3'